The following is an entry in ClinVar:

NM_001184.4(ATR):c.6813A>G (p.Pro2271=)

Gene: ATR (ATR checkpoint kinase; minus strand). Cytogenetic location: 3q23.
Variant type: single nucleotide variant.
Coding change: c.6813A>G on transcript NM_001184.4 (MANE Select); coding-DNA position 6813, A replaced by G.
Protein change: p.Pro2271=; no amino-acid change (proline 2271 retained).
Molecular consequence: synonymous variant.
Genome position (GRCh38, 1-based): chr3:142,466,408, T>C on the plus strand (A>G on the coding strand, the complement: ATR is on the minus strand). VCF-style: chr3-142466408-T-C. GRCh37 (hg19) VCF-style: chr3-142185250-T-C.
Other names: c.6621A>G, p.Pro2207= (NM_001354579.2).
Identifiers: ClinVar variation 509587 (VCV000509587.4), dbSNP rs774286189, ClinGen allele CA436124589.

ClinVar aggregate classification (germline): Likely benign. Review status: criteria provided, multiple submitters, no conflicts (2 of 4 stars). 4 submissions from 3 submitters: Likely benign (4). Last evaluated 2023-02-08.

Conditions:
Inborn genetic diseases. Identifiers: MedGen C0950123, MeSH D030342.
Seckel syndrome 1 (SCKL1). Also called: MICROCEPHALIC PRIMORDIAL DWARFISM I. Identifiers: Orphanet 808, MedGen C4551474, MONDO:0008869, OMIM 210600.
Familial cutaneous telangiectasia and oropharyngeal predisposition cancer syndrome. Identifiers: Orphanet 313846, MedGen C3281203, MONDO:0013806, OMIM 614564.

gnomAD v4.1: 1 of 1,614,034 alleles (0.000062%); highest among the groups gnomAD compares: Non-Finnish European, 0.000085%; no homozygotes.

Submissions (4):

Genome-Nilou Lab
Classification: Likely benign for Seckel syndrome 1. Last evaluated: 2023-02-08. Review status: criteria provided, single submitter. Criteria: ACMG Guidelines, 2015. Collection method: clinical testing. Allele origin: germline.

Genome-Nilou Lab
Classification: Likely benign for Familial cutaneous telangiectasia and oropharyngeal predisposition cancer syndrome. Last evaluated: 2023-02-08. Review status: criteria provided, single submitter. Criteria: ACMG Guidelines, 2015. Collection method: clinical testing. Allele origin: germline.

Ambry Genetics
Classification: Likely benign for Inborn genetic diseases. Last evaluated: 2021-11-23. Review status: criteria provided, single submitter. Criteria: Ambry Variant Classification Scheme 2023. Collection method: clinical testing. Allele origin: germline.

GeneDx
Classification: Likely benign. Last evaluated: 2017-05-15. Review status: criteria provided, single submitter. Criteria: GeneDx Variant Classification (06012015). Collection method: clinical testing. Allele origin: germline. Affected: yes.
Comment: This variant is considered likely benign or benign based on one or more of the following criteria: it is a conservative change, it occurs at a poorly conserved position in the protein, it is predicted to be benign by multiple in silico algorithms, and/or has population frequency not consistent with disease.